The following is an entry in ClinVar:

NM_016239.4(MYO15A):c.10409C>T (p.Thr3470Met)

Gene: MYO15A (myosin XVA; plus strand). Cytogenetic location: 17p11.2.
Variant type: single nucleotide variant.
Coding change: c.10409C>T on transcript NM_016239.4 (MANE Select); coding-DNA position 10409, C replaced by T.
Protein change: p.Thr3470Met; replaces threonine 3470 with methionine.
Molecular consequence: missense variant.
Genome position (GRCh38, 1-based): chr17:18,173,839, C>T. VCF-style: chr17-18173839-C-T. GRCh37 (hg19) VCF-style: chr17-18077153-C-T.
Other names: short protein forms T3470M.
Identifiers: ClinVar variation 3252824 (VCV003252824.2), dbSNP rs371592889.

ClinVar aggregate classification (germline): Uncertain significance. Review status: criteria provided, multiple submitters, no conflicts (2 of 4 stars). 2 submissions from 2 submitters: Uncertain significance (2). Last evaluated 2023-10-13.

Allele frequency attached by ClinVar (database versions not stated): ExAC 0.00002; gnomAD 0.00003; TOPMed 0.00003; ESP Exome Variant Server 0.00008.
gnomAD v4.1: 36 of 1,613,226 alleles (0.0022%); highest among the groups gnomAD compares: Middle Eastern, 0.016%; no homozygotes.

Submissions (2):

GeneDx
Classification: Uncertain significance. Last evaluated: 2023-10-13. Review status: criteria provided, single submitter. Criteria: GeneDx Variant Classification Process June 2021. Collection method: clinical testing. Allele origin: germline. Affected: yes.
Comment: In silico analysis supports that this missense variant has a deleterious effect on protein structure/function; Has not been previously published as pathogenic or benign to our knowledge

Blueprint Genetics
Classification: Uncertain significance. Last evaluated: 2022-08-17. Review status: criteria provided, single submitter. Criteria: ACMG Guidelines, 2015. Collection method: clinical testing. Allele origin: germline.